The following is an entry in ClinVar:

NM_007294.4(BRCA1):c.5356C>A (p.Leu1786Met)

Gene: BRCA1 (BRCA1 DNA repair associated; minus strand). Cytogenetic location: 17q21.31.
Variant type: single nucleotide variant.
Coding change: c.5356C>A on transcript NM_007294.4 (MANE Select); coding-DNA position 5356, C replaced by A.
Protein change: p.Leu1786Met; replaces leucine 1786 with methionine.
Molecular consequence: missense variant. On other transcripts: non-coding transcript variant (1), intron variant (1).
Genome position (GRCh38, 1-based): chr17:43,049,171, G>T on the plus strand (C>A on the coding strand, the complement: BRCA1 is on the minus strand). VCF-style: chr17-43049171-G-T. GRCh37 (hg19) VCF-style: chr17-41201188-G-T.
Other names: c.5143C>A, p.Leu1715Met (NM_001407571.1, NM_001407894.1, NM_001407895.1 and 12 more transcripts); c.5422C>A, p.Leu1808Met (NM_001407581.1, NM_001407582.1); c.5419C>A, p.Leu1807Met (NM_001407583.1, NM_001407585.1, NM_001407587.1 and 1 more transcripts); c.5416C>A, p.Leu1806Met (NM_001407590.1, NM_001407591.1); c.5356C>A, p.Leu1786Met (NM_001407593.1, NM_001407594.1, NM_001407596.1 and 5 more transcripts); c.5353C>A, p.Leu1785Met (NM_001407610.1, NM_001407611.1, NM_001407612.1 and 14 more transcripts); c.5350C>A, p.Leu1784Met (NM_001407631.1, NM_001407632.1, NM_001407633.1 and 13 more transcripts); c.5278C>A, p.Leu1760Met (NM_001407653.1, NM_001407654.1, NM_001407655.1 and 1 more transcripts); and 73 more; short protein forms L1739M, L1786M, L1807M, L682M, L1490M, L1698M, L1715M, L1716M.
Identifiers: ClinVar variation 865375 (VCV000865375.3), dbSNP rs1555575167, ClinGen allele CA10590752.
Genomic context (GRCh38, chr17:43,049,171, plus strand): 5'-CAATACTTACTGTGCCAAGGGTGAATGATGAAAGCTCCTTCACCACAGAAGCACCACACA[G>T]CTGTACCATCCATTCCAGTTGATCTAAAATGGACATTTAGATGTAAAATCACTGCAGTAA-3'
Protein context (NP_009225.1, residues 1776-1796): PTDQLEWMVQ[Leu1786Met]CGASVVKELS

Conditions:
Breast-ovarian cancer, familial, susceptibility to, 1 (BROVCA1). Also called: BRCA1 Hereditary Breast and Ovarian Cancer; OVARIAN CANCER, SUSCEPTIBILITY TO. Identifiers: Orphanet 145, MedGen C2676676, MONDO:0011450, OMIM 604370. Disease mechanism: loss of function.

Submission:

Brotman Baty Institute, University of Washington
No classification provided (evidence only). Condition: Breast-ovarian cancer, familial 1. Review status: no classification provided. Collection method: in vitro. Allele origin: not applicable. Functional consequence: functionally_normal.
ClinVar note: "not provided" was previously submitted as the classification for the variant. However, the classification appeared to be based only on an observation of functional data so it was converted to no classification on 2025-07-30.